The following is an entry in ClinVar:

ClinVar aggregate classification (germline): Conflicting classifications of pathogenicity. Review status: criteria provided, conflicting classifications (1 of 4 stars). 4 submissions from 4 submitters: Likely pathogenic (2); Uncertain significance (1). 1 of the submissions does not count toward it. Last evaluated 2024-06-26.

Conditions:
Glycine encephalopathy. Also called: Non-ketotic hyperglycinemia; Nonketotic hyperglycinemia. Identifiers: Orphanet 407, MedGen C0751748, MONDO:0011612, HP:0008288.

gnomAD v4.1: 7 of 1,578,896 alleles (0.00044%); highest among the groups gnomAD compares: African/African-American, 0.0027%; no homozygotes.

Submissions (4):

Women's Health and Genetics/Laboratory Corporation of America, LabCorp
Classification: Uncertain significance. Last evaluated: 2024-06-26. Review status: criteria provided, single submitter. Criteria: LabCorp Variant Classification Summary - May 2015. Collection method: clinical testing. Allele origin: germline.
Comment: Variant summary: GLDC c.707G>C (p.Arg236Pro) results in a non-conservative amino acid change located in the Glycine cleavage system P-protein, N-terminal domain (IPR049315) of the encoded protein sequence. Five of five in-silico tools predict a damaging effect of the variant on protein function. The variant allele was found at a frequency of 4e-06 in 251476 control chromosomes. The available data on variant occurrences in the general population are insufficient to allow any conclusion about variant significance. c.707G>C has been reported in the literature in a compound heterozygous individual affected with Glycine Encephalopathy (Non-Ketotic Hyperglycinemia) but the phase of the two variants were undetermined (Coughlin_2017). These report(s) do not provide unequivocal conclusions about association of the variant with Glycine Encephalopathy (Non-Ketotic Hyperglycinemia). To our knowledge, no experimental evidence demonstrating an impact on protein function has been reported. The following publication have been ascertained in the context of this evaluation (PMID: 27362913). ClinVar contains an entry for this variant (Variation ID: 1494920). Based on the evidence outlined above, the variant was classified as uncertain significance.

Labcorp Genetics (formerly Invitae), Labcorp
Classification: Likely pathogenic for Glycine encephalopathy. Last evaluated: 2023-06-16. Review status: criteria provided, single submitter. Criteria: Invitae Variant Classification Sherloc (09022015). Collection method: clinical testing. Allele origin: germline.
Comment: In summary, the currently available evidence indicates that the variant is pathogenic, but additional data are needed to prove that conclusively. Therefore, this variant has been classified as Likely Pathogenic. Advanced modeling of protein sequence and biophysical properties (such as structural, functional, and spatial information, amino acid conservation, physicochemical variation, residue mobility, and thermodynamic stability) performed at Invitae indicates that this missense variant is expected to disrupt GLDC protein function. ClinVar contains an entry for this variant (Variation ID: 1494920). This missense change has been observed in individual(s) with glycine encephalopathy (PMID: 27362913). This variant is present in population databases (no rsID available, gnomAD 0.004%). This sequence change replaces arginine, which is basic and polar, with proline, which is neutral and non-polar, at codon 236 of the GLDC protein (p.Arg236Pro).

GeneDx
Classification: Likely pathogenic. Last evaluated: 2023-06-09. Review status: criteria provided, single submitter. Criteria: GeneDx Variant Classification Process June 2021. Collection method: clinical testing. Allele origin: germline. Affected: yes.
Comment: Reported with a second GLDC variant, phase unknown, in a patient with suspected nonketotic hyperglycinemia in published literature (Coughlin et al., 2017); In silico analysis supports that this missense variant has a deleterious effect on protein structure/function; Not observed at significant frequency in large population cohorts (gnomAD); This variant is associated with the following publications: (PMID: 27362913)

Natera, Inc.
Classification: Uncertain significance for Non-ketotic hyperglycinemia. Last evaluated: 2025-03-24. Review status: no assertion criteria provided. Collection method: clinical testing. Allele origin: germline. Not counted in ClinVar's aggregate classification.

Literature cited by the submitters: PubMed 27362913 (cited by Women's Health and Genetics/Laboratory Corporation of America, LabCorp and Labcorp Genetics (formerly Invitae), Labcorp).

NM_000170.3(GLDC):c.707G>C (p.Arg236Pro)

Gene: GLDC (glycine decarboxylase; minus strand). Cytogenetic location: 9p24.1.
Variant type: single nucleotide variant.
Coding change: c.707G>C on transcript NM_000170.3 (MANE Select); coding-DNA position 707, G replaced by C.
Protein change: p.Arg236Pro; replaces arginine 236 with proline.
Molecular consequence: missense variant.
Genome position (GRCh38, 1-based): chr9:6,606,598, C>G on the plus strand (G>C on the coding strand, the complement: GLDC is on the minus strand). VCF-style: chr9-6606598-C-G. GRCh37 (hg19) VCF-style: chr9-6606598-C-G.
Other names: c.707G>C (NM_000170.2); short protein forms R236P.
Identifiers: ClinVar variation 1494920 (VCV001494920.11), dbSNP rs772832052, ClinGen allele CA372897367.